The following is an entry in ClinVar:

NM_001035.3(RYR2):c.4241G>A (p.Arg1414Gln)

Gene: RYR2 (ryanodine receptor 2; plus strand). Cytogenetic location: 1q43.
Variant type: single nucleotide variant.
Coding change: c.4241G>A on transcript NM_001035.3 (MANE Select); coding-DNA position 4241, G replaced by A.
Protein change: p.Arg1414Gln; replaces arginine 1414 with glutamine.
Molecular consequence: missense variant.
Genome position (GRCh38, 1-based): chr1:237,591,819, G>A. VCF-style: chr1-237591819-G-A. GRCh37 (hg19) VCF-style: chr1-237755119-G-A.
Other names: short protein forms R1414Q.
Identifiers: ClinVar variation 179410 (VCV000179410.28), dbSNP rs727504850, ClinGen allele CA009503.

ClinVar aggregate classification (germline): Conflicting classifications of pathogenicity. Review status: criteria provided, conflicting classifications (1 of 4 stars). 8 submissions from 8 submitters: Uncertain significance (7); Likely benign (1). Last evaluated 2026-01-07.

Conditions:
Cardiovascular phenotype. Identifiers: MedGen CN230736.
Catecholaminergic polymorphic ventricular tachycardia 1. Also called: RYR2-Related Catecholaminergic Polymorphic Ventricular Tachycardia; VENTRICULAR TACHYCARDIA, STRESS-INDUCED POLYMORPHIC 1; VENTRICULAR TACHYCARDIA, CATECHOLAMINERGIC POLYMORPHIC, 1, WITH OR WITHOUT ATRIAL DYSFUNCTION AND/OR DILATED CARDIOMYOPATHY. Identifiers: Orphanet 3286, MedGen C1631597, MONDO:0011484, OMIM 604772.
Ventricular arrhythmias due to cardiac ryanodine receptor calcium release deficiency syndrome. Also called: Autosomal dominant cardiac arrhythmia (Kuhn). Identifiers: MedGen C5542154, MONDO:0020745, OMIM 115000.
Catecholaminergic polymorphic ventricular tachycardia (CVPT). Also called: Catecholamine-induced polymorphic ventricular tachycardia. Identifiers: Orphanet 3286, MedGen C5574922, MONDO:0017990.
Cardiomyopathy (CMYO). Also called: Cardiomyopathies. Identifiers: Orphanet 167848, MedGen C0878544, MONDO:0004994, HP:0001638. Inheritance: Various modes of inheritance.

Allele frequency attached by ClinVar (database versions not stated): gnomAD 0.00001; TOPMed 0.00003; ExAC 0.00005; gnomAD exomes 0.00005 and 0.00006.
gnomAD v4.1: 81 of 1,613,264 alleles (0.005%); highest among the groups gnomAD compares: Non-Finnish European, 0.0066%; no homozygotes.

Submissions (8):

Labcorp Genetics (formerly Invitae), Labcorp
Classification: Uncertain significance for Catecholaminergic polymorphic ventricular tachycardia 1. Last evaluated: 2026-01-07. Review status: criteria provided, single submitter. Criteria: Invitae Variant Classification Sherloc (09022015). Collection method: clinical testing. Allele origin: germline.
Comment: This sequence change replaces arginine, which is basic and polar, with glutamine, which is neutral and polar, at codon 1414 of the RYR2 protein (p.Arg1414Gln). This variant is present in population databases (rs727504850, gnomAD 0.01%). This variant has not been reported in the literature in individuals affected with RYR2-related conditions. ClinVar contains an entry for this variant (Variation ID: 179410). Invitae Evidence Modeling of protein sequence and biophysical properties (such as structural, functional, and spatial information, amino acid conservation, physicochemical variation, residue mobility, and thermodynamic stability) indicates that this missense variant is not expected to disrupt RYR2 protein function with a negative predictive value of 95%. In summary, the available evidence is currently insufficient to determine the role of this variant in disease. Therefore, it has been classified as a Variant of Uncertain Significance.

Molecular Diagnostic Laboratory for Inherited Cardiovascular Disease, Montreal Heart Institute
Classification: Uncertain significance for Cardiovascular phenotype. Last evaluated: 2025-04-09. Review status: criteria provided, single submitter. Criteria: ACMG Guidelines, 2015. Collection method: clinical testing. Allele origin: germline. Affected: yes.

All of Us Research Program, National Institutes of Health
Classification: Uncertain significance for Catecholaminergic polymorphic ventricular tachycardia. Last evaluated: 2024-09-23. Review status: criteria provided, single submitter. Criteria: ACMG Guidelines, 2015. Collection method: clinical testing. Allele origin: germline. Inheritance: Autosomal dominant inheritance. Observed: 7 variant alleles, 7 heterozygotes.
Comment: This missense variant replaces arginine with glutamine at codon 1414 of the RYR2 protein. Computational prediction suggests that this variant may not impact protein structure and function (internally defined REVEL score threshold <= 0.5, PMID: 27666373). To our knowledge, functional studies have not been reported for this variant. This variant has not been reported in individuals affected with cardiovascular disorders in the literature. This variant has been identified in 14/248158 chromosomes in the general population by the Genome Aggregation Database (gnomAD). The available evidence is insufficient to determine the role of this variant in disease conclusively. Therefore, this variant is classified as a Variant of Uncertain Significance.

This study involves interpretation of variants in research participants for the purpose of population health screening. Participant phenotype was not available at the time of variant classification. Additional details can be found in publication PMID: 35346344, PMCID: PMC8962531

Color Diagnostics, LLC DBA Color Health
Classification: Uncertain significance for Cardiomyopathy. Last evaluated: 2024-03-06. Review status: criteria provided, single submitter. Criteria: ACMG Guidelines, 2015. Collection method: clinical testing. Allele origin: germline.
Comment: This missense variant replaces arginine with glutamine at codon 1414 of the RYR2 protein. Computational prediction suggests that this variant may not impact protein structure and function (internally defined REVEL score threshold <= 0.5, PMID: 27666373). To our knowledge, functional studies have not been reported for this variant. This variant has not been reported in individuals affected with RYR2-related disorders in the literature. This variant has been identified in 14/248158 chromosomes in the general population by the Genome Aggregation Database (gnomAD). The available evidence is insufficient to determine the role of this variant in disease conclusively. Therefore, this variant is classified as a Variant of Uncertain Significance.

Women's Health and Genetics/Laboratory Corporation of America, LabCorp
Classification: Likely benign. Last evaluated: 2021-06-21. Review status: criteria provided, single submitter. Criteria: LabCorp Variant Classification Summary - May 2015. Collection method: clinical testing. Allele origin: germline.
Comment: Variant summary: RYR2 c.4241G>A (p.Arg1414Gln) results in a conservative amino acid change located in the B30.2/SPRY domain of the encoded protein sequence. Two of four in-silico tools predict a benign effect of the variant on protein function. The variant allele was found at a frequency of 5.6e-05 in 248158 control chromosomes, predominantly at a frequency of 0.00012 within the Non-Finnish European subpopulation in the gnomAD database. The observed variant frequency within Non-Finnish European control individuals in the gnomAD database is approximately 3.49 fold of the estimated maximal expected allele frequency for a pathogenic variant in RYR2 causing Catecholaminergic Polymorphic Ventricular Tachycardia phenotype (3.4e-05), strongly suggesting that the variant is a benign polymorphism found primarily in populations of Non-Finnish European origin. To our knowledge, no occurrence of c.4241G>A in individuals affected with Catecholaminergic Polymorphic Ventricular Tachycardia and no experimental evidence demonstrating its impact on protein function have been reported. Two clinical diagnostic laboratories have submitted clinical-significance assessments for this variant to ClinVar after 2014 without evidence for independent evaluation. All laboratories classified the variant as uncertain significance. Based on the evidence outlined above, the variant was classified as likely benign.

GeneDx
Classification: Uncertain significance. Last evaluated: 2020-02-14. Review status: criteria provided, single submitter. Criteria: GeneDx Variant Classification Process June 2021. Collection method: clinical testing. Allele origin: germline. Affected: yes.
Comment: Has not been previously published as pathogenic or benign to our knowledge; Reported in ClinVar but additional evidence is not available (ClinVar Variant ID#179410; Landrum et al., 2016); In silico analysis supports that this missense variant does not alter protein structure/function; Is not located in one of the three hot-spot regions of the RYR2 gene, where the majority of pathogenic missense variants occur (Medeiros-Domingo et al., 2009)

Laboratory for Molecular Medicine, Mass General Brigham Personalized Medicine
Classification: Uncertain significance. Last evaluated: 2014-07-03. Review status: criteria provided, single submitter. Criteria: LMM Criteria. Collection method: clinical testing. Allele origin: germline. Observed: 1 variant allele.
Comment: The Arg1414Gln variant in RYR2 not been previously reported in families with car diomyopathy or in large populations studies. Computational prediction tools and conservation analysis do not provide strong support for or against an impact to the protein. In summary, the clinical significance of the Arg1414Gln variant is uncertain.

Center for Genomics, Ann and Robert H. Lurie Children's Hospital of Chicago
Classification: Uncertain significance for Catecholaminergic polymorphic ventricular tachycardia 1; Ventricular arrhythmias due to cardiac ryanodine receptor calcium release deficiency syndrome. Review status: criteria provided, single submitter. Criteria: ACMG Guidelines, 2015. Collection method: clinical testing. Allele origin: germline.
Comment: RYR2 NM_001035.2 exon 32 p.Arg1414Gln (c.4241G>A): This variant has not been reported in the literature and is present in 0.01% (14/112532) of European alleles in the Genome Aggregation Database. This variant is present in ClinVar (Variation ID:179410). Evolutionary conservation and computational predictive tools are unclear. In summary, data on this variant is insufficient for disease classification. Therefore, the clinical significance of this variant is uncertain.